The following is an entry in ClinVar:

NM_001614.5(ACTG1):c.742A>G (p.Ile248Val)

Gene: ACTG1 (actin gamma 1; minus strand). Cytogenetic location: 17q25.3.
Variant type: single nucleotide variant.
Coding change: c.742A>G on transcript NM_001614.5 (MANE Select); coding-DNA position 742, A replaced by G.
Protein change: p.Ile248Val; replaces isoleucine 248 with valine.
Molecular consequence: missense variant. On other transcripts: non-coding transcript variant (1).
Genome position (GRCh38, 1-based): chr17:81,511,248, T>C on the plus strand (A>G on the coding strand, the complement: ACTG1 is on the minus strand). VCF-style: chr17-81511248-T-C. GRCh37 (hg19) VCF-style: chr17-79478274-T-C.
Other names: c.742A>G, p.Ile248Val (NM_001199954.3); short protein forms I248V.
Identifiers: ClinVar variation 1800935 (VCV001800935.1), dbSNP rs2544388090, ClinGen allele CA401459873.

ClinVar aggregate classification (germline): Uncertain significance (1 of 4 stars; one submission).

Allele frequency attached by ClinVar (database versions not stated): gnomAD exomes below 0.00001.
gnomAD v4.1: 2 of 1,613,774 alleles (0.00012%); highest among the groups gnomAD compares: South Asian, 0.0011%; no homozygotes.

Submission:

GeneDx
Classification: Uncertain significance. Last evaluated: 2022-05-25. Review status: criteria provided, single submitter. Criteria: GeneDx Variant Classification Process June 2021. Collection method: clinical testing. Allele origin: germline. Affected: yes.
Comment: Not observed at significant frequency in large population cohorts (gnomAD); Missense variants in this gene are often considered pathogenic (HGMD); In silico analysis supports that this missense variant does not alter protein structure/function; Has not been previously published as pathogenic or benign to our knowledge